The following is an entry in ClinVar:

NM_017875.4(SLC25A38):c.454G>T (p.Glu152Ter)

Gene: SLC25A38 (solute carrier family 25 member 38; plus strand). Cytogenetic location: 3p22.1.
Variant type: single nucleotide variant.
Coding change: c.454G>T on transcript NM_017875.4 (MANE Select); coding-DNA position 454, G replaced by T.
Protein change: p.Glu152Ter; replaces glutamic acid 152 with a stop codon.
Molecular consequence: nonsense.
Genome position (GRCh38, 1-based): chr3:39,391,618, G>T. VCF-style: chr3-39391618-G-T. GRCh37 (hg19) VCF-style: chr3-39433109-G-T.
Other names: c.454G>T, p.Glu152Ter (NM_001354798.2); short protein forms E152*.
Identifiers: ClinVar variation 2025407 (VCV002025407.4), dbSNP rs1416227038, ClinGen allele CA352201660.

ClinVar aggregate classification (germline): Pathogenic (1 of 4 stars; one submission).

Submission:

Labcorp Genetics (formerly Invitae), Labcorp
Classification: Pathogenic. Last evaluated: 2023-11-27. Review status: criteria provided, single submitter. Criteria: Invitae Variant Classification Sherloc (09022015). Collection method: clinical testing. Allele origin: germline.
Comment: This sequence change creates a premature translational stop signal (p.Glu152*) in the SLC25A38 gene. It is expected to result in an absent or disrupted protein product. Loss-of-function variants in SLC25A38 are known to be pathogenic (PMID: 19412178, 25985931). This variant is not present in population databases (gnomAD no frequency). This variant has not been reported in the literature in individuals affected with SLC25A38-related conditions. ClinVar contains an entry for this variant (Variation ID: 2025407). For these reasons, this variant has been classified as Pathogenic.

Literature cited by the submitters: PubMed 19412178; PubMed 25985931.